The following is an entry in ClinVar:

NM_003200.5(TCF3):c.931G>C (p.Val311Leu)

Gene: TCF3 (transcription factor 3; minus strand). Cytogenetic location: 19p13.3.
Variant type: single nucleotide variant.
Coding change: c.931G>C on transcript NM_003200.5 (MANE Select); coding-DNA position 931, G replaced by C.
Protein change: p.Val311Leu; replaces valine 311 with leucine.
Molecular consequence: missense variant.
Genome position (GRCh38, 1-based): chr19:1,621,862, C>G on the plus strand (G>C on the coding strand, the complement: TCF3 is on the minus strand). VCF-style: chr19-1621862-C-G. GRCh37 (hg19) VCF-style: chr19-1621861-C-G.
Other names: c.931G>C, p.Val311Leu (NM_001136139.4, NM_001351778.2, NM_001351779.2); short protein forms V311L.
Identifiers: ClinVar variation 2974309 (VCV002974309.3), dbSNP rs370910718, ClinGen allele CA9050160.

ClinVar aggregate classification (germline): Uncertain significance (1 of 4 stars; one submission).

Allele frequency attached by ClinVar (database versions not stated): gnomAD exomes 0.00002; TOPMed 0.00004; ExAC 0.00005; ESP Exome Variant Server 0.00016.
gnomAD v4.1: 26 of 1,593,358 alleles (0.0016%); highest among the groups gnomAD compares: Non-Finnish European, 0.002%; no homozygotes.

Submission:

Labcorp Genetics (formerly Invitae), Labcorp
Classification: Uncertain significance. Last evaluated: 2024-09-03. Review status: criteria provided, single submitter. Criteria: Invitae Variant Classification Sherloc (09022015). Collection method: clinical testing. Allele origin: germline.
Comment: This sequence change replaces valine, which is neutral and non-polar, with leucine, which is neutral and non-polar, at codon 311 of the TCF3 protein (p.Val311Leu). This variant is present in population databases (rs370910718, gnomAD 0.006%). This variant has not been reported in the literature in individuals affected with TCF3-related conditions. Invitae Evidence Modeling of protein sequence and biophysical properties (such as structural, functional, and spatial information, amino acid conservation, physicochemical variation, residue mobility, and thermodynamic stability) indicates that this missense variant is not expected to disrupt TCF3 protein function with a negative predictive value of 80%. In summary, the available evidence is currently insufficient to determine the role of this variant in disease. Therefore, it has been classified as a Variant of Uncertain Significance.